The following is an entry in ClinVar:

NC_000020.10:g.(?_3190005)_(3204517_?)dup

Gene: ITPA (inosine triphosphatase; plus strand). Cytogenetic location: 20p13.
Variant type: Duplication.
Identifiers: ClinVar variation 2573633 (VCV002573633.1).

ClinVar aggregate classification (germline): Uncertain significance (1 of 4 stars; one submission).

Submission:

Women's Health and Genetics/Laboratory Corporation of America, LabCorp
Classification: Uncertain significance. Last evaluated: 2023-06-27. Review status: criteria provided, single submitter. Criteria: LabCorp Variant Classification Summary - May 2015. Collection method: clinical testing. Allele origin: germline.
Comment: Variant summary: The variant identified by MLPA or other technology involves the duplication of exons 1-8 in the ITPA gene. A presumed nomenclature of c.(?_-193)_(*409_?)dup has been designated for the purposes of this classification. It has been assumed that this is a tandem duplication in direct orientation (Richardson_GIM_2018, Newman_AJHG_2015). Although exact breakpoints of this duplication are not known, it is expected to result in a duplication of the whole coding sequence of the ITPA gene. The variant was absent in 21694 control chromosomes (gnomAD). The available data on variant occurrences in the general population are insufficient to allow any conclusion about variant significance. To our knowledge, no occurrence of c.(?_-193)_(*409_?)dup in individuals affected with Early Infantile Epileptic Encephalopathy, 35 and no experimental evidence demonstrating its impact on protein function have been reported. Two submitters have cited clinical-significance assessments for this variant to ClinVar after 2014, and classified it as uncertain significance. Based on the evidence outlined above, the variant was classified as uncertain significance.